The following is an entry in ClinVar:

NM_175875.5(SIX5):c.1135G>A (p.Glu379Lys)

Genes: SIX5 (SIX homeobox 5; minus strand), LOC107075317 (origin of replication in DMPK trinucleotide repeat region; plus strand). Cytogenetic location: 19q13.32.
Variant type: single nucleotide variant.
Coding change: c.1135G>A on transcript NM_175875.5 (MANE Select); coding-DNA position 1135, G replaced by A.
Protein change: p.Glu379Lys; replaces glutamic acid 379 with lysine.
Molecular consequence: missense variant.
Genome position (GRCh38, 1-based): chr19:45,766,824, C>T on the plus strand (G>A on the coding strand, the complement: SIX5 is on the minus strand). VCF-style: chr19-45766824-C-T. GRCh37 (hg19) VCF-style: chr19-46270082-C-T.
Other names: short protein forms E379K.
Identifiers: ClinVar variation 3008773 (VCV003008773.3), dbSNP rs2146206981, ClinGen allele CA406419352.

ClinVar aggregate classification (germline): Uncertain significance (1 of 4 stars; one submission).

Allele frequency attached by ClinVar (database versions not stated): gnomAD exomes below 0.00001.

Submission:

Labcorp Genetics (formerly Invitae), Labcorp
Classification: Uncertain significance. Last evaluated: 2023-09-04. Review status: criteria provided, single submitter. Criteria: Invitae Variant Classification Sherloc (09022015). Collection method: clinical testing. Allele origin: germline.
Comment: This variant is not present in population databases (gnomAD no frequency). This sequence change replaces glutamic acid, which is acidic and polar, with lysine, which is basic and polar, at codon 379 of the SIX5 protein (p.Glu379Lys). This variant has not been reported in the literature in individuals affected with SIX5-related conditions. In summary, the available evidence is currently insufficient to determine the role of this variant in disease. Therefore, it has been classified as a Variant of Uncertain Significance. Advanced modeling of protein sequence and biophysical properties (such as structural, functional, and spatial information, amino acid conservation, physicochemical variation, residue mobility, and thermodynamic stability) performed at Invitae indicates that this missense variant is not expected to disrupt SIX5 protein function.